The following is an entry in ClinVar:

NM_000059.4(BRCA2):c.7565_7567delinsTTT (p.Ser2522Phe)

Gene: BRCA2 (BRCA2 DNA repair associated; plus strand). Cytogenetic location: 13q13.1.
Variant type: Indel.
Coding change: c.7565_7567delinsTTT on transcript NM_000059.4 (MANE Select); coding-DNA positions 7565 to 7567, CTC replaced by TTT.
Protein change: p.Ser2522Phe; replaces serine 2522 with phenylalanine.
Molecular consequence: missense variant. On other transcripts: non-coding transcript variant (1).
Genome position (GRCh38, 1-based): chr13:32,356,557-32,356,559, CTC replaced by TTT. VCF-style: chr13-32356557-CTC-TTT. GRCh37 (hg19) VCF-style: chr13-32930694-CTC-TTT.
Other names: c.7469_7471delinsTTT, p.Ser2490Phe (NM_001406719.1); c.7565_7567delinsTTT, p.Ser2522Phe (NM_001406720.1); c.2633_2635delinsTTT, p.Ser878Phe (NM_001406721.1); c.1148_1150delinsTTT, p.Ser383Phe (NM_001406722.1); short protein forms S2490F, S2522F, S383F, S878F.
Identifiers: ClinVar variation 3228692 (VCV003228692.1), dbSNP rs2548541588, ClinGen allele CA2825002141.

ClinVar aggregate classification (germline): Uncertain significance (1 of 4 stars; one submission).

Conditions:
Hereditary cancer-predisposing syndrome. Also called: Neoplastic Syndromes, Hereditary; Tumor predisposition; Hereditary neoplastic syndrome; Hereditary Cancer Syndrome. Identifiers: Orphanet 140162, MedGen C0027672, MeSH D009386, MONDO:0015356.

Submission:

Ambry Genetics
Classification: Uncertain significance for Hereditary cancer-predisposing syndrome. Last evaluated: 2023-11-13. Review status: criteria provided, single submitter. Criteria: Ambry Variant Classification Scheme 2023. Collection method: clinical testing. Allele origin: germline.
Comment: The c.7565_7567delCTCinsTTT variant (also known as p.S2522F), located in coding exon 14 of the BRCA2 gene, results from an in-frame deletion of CTC and insertion of TTT at nucleotide positions 7565 to 7567. This results in the substitution of the serine residue for a phenylalanine residue at codon 2522, an amino acid with highly dissimilar properties. This amino acid position is not well conserved in available vertebrate species. In addition, this alteration is predicted to be neutral by in silico analysis (Choi Y et al. PLoS ONE. 2012; 7(10):e46688). Since supporting evidence is limited at this time, the clinical significance of this alteration remains unclear.